The following is an entry in ClinVar:

NM_007294.4(BRCA1):c.1068_1077del (p.Gln356fs)

Gene: BRCA1 (BRCA1 DNA repair associated; minus strand). Cytogenetic location: 17q21.31.
Variant type: Deletion.
Coding change: c.1068_1077del on transcript NM_007294.4 (MANE Select); coding-DNA positions 1068 to 1077, 10 bases deleted (GAAACTGCCA; older notation c.1068_1077delGAAACTGCCA).
Protein change: p.Gln356fs; shifts the reading frame from glutamine 356.
Molecular consequence: frameshift variant. On other transcripts: intron variant (137).
Genome position (GRCh38, 1-based): chr17:43,094,454-43,094,463, TGGCAGTTTC deleted on the plus strand (GAAACTGCCA on the coding strand, the reverse complement: BRCA1 is on the minus strand); deleting any 10 consecutive bases within chr17:43,094,454-43,094,465 gives the same sequence; the c. name uses the placement nearest the transcript's 3' end. VCF-style (leftmost placement, unchanged base first): chr17-43094453-ATGGCAGTTTC-A. GRCh37 (hg19) VCF-style: chr17-41246470-ATGGCAGTTTC-A.
Other names: 1187_1196delGAAACTGCCA; c.1068_1077delGAAACTGCCA (NM_007294.3); c.945_954del, p.Gln315fs (NM_001407648.1, NM_001407664.1, NM_001407665.1 and 19 more transcripts); c.942_951del, p.Gln314fs (NM_001407649.1, NM_001407670.1, NM_001407671.1 and 11 more transcripts); c.1068_1077del, p.Gln356fs (NM_001407652.1, NM_001407684.1, NM_001407854.1 and 30 more transcripts); c.990_999del, p.Gln330fs (NM_001407653.1, NM_001407654.1, NM_001407655.1 and 4 more transcripts); c.987_996del, p.Gln329fs (NM_001407659.1, NM_001407660.1, NM_001407661.1 and 1 more transcripts); c.927_936del, p.Gln309fs (NM_001407692.1, NM_001407694.1, NM_001407695.1 and 29 more transcripts); and 42 more; short protein forms Q309fs, Q356fs, Q188fs, Q229fs, Q244fs, Q245fs, Q314fs, Q267fs.
Identifiers: ClinVar variation 54116 (VCV000054116.8), dbSNP rs397508830, ClinGen allele CA000714.

ClinVar aggregate classification (germline): Pathogenic. Review status: reviewed by expert panel (3 of 4 stars). 3 submissions from 3 submitters: Pathogenic (1). 2 of the submissions do not count toward it. Last evaluated 2016-10-18.

Conditions:
Breast and/or ovarian cancer. Identifiers: MedGen CN221562.
Breast-ovarian cancer, familial, susceptibility to, 1 (BROVCA1). Also called: OVARIAN CANCER, SUSCEPTIBILITY TO; BRCA1 Hereditary Breast and Ovarian Cancer. Identifiers: Orphanet 145, MedGen C2676676, MONDO:0011450, OMIM 604370. Disease mechanism: loss of function.

Submissions (3):

Evidence-based Network for the Interpretation of Germline Mutant Alleles (ENIGMA)
Classification: Pathogenic for Breast-ovarian cancer, familial, susceptibility to, 1. Last evaluated: 2016-10-18. Review status: reviewed by expert panel. Criteria: ENIGMA BRCA1/2 Classification Criteria (2015). Collection method: curation. Allele origin: germline.
Comment: Variant allele predicted to encode a truncated non-functional protein.

Consortium of Investigators of Modifiers of BRCA1/2 (CIMBA), c/o University of Cambridge
Classification: Pathogenic for Breast-ovarian cancer, familial, susceptibility to, 1. Last evaluated: 2015-10-02. Review status: criteria provided, single submitter. Criteria: CIMBA Mutation Classification guidelines May 2016. Collection method: clinical testing. Allele origin: germline. Not counted in ClinVar's aggregate classification.

CZECANCA consortium
Classification: Pathogenic for Breast and/or ovarian cancer. Last evaluated: 2019-06-11. Review status: no assertion criteria provided. Collection method: clinical testing. Allele origin: germline. Affected: yes. Observed: 1 variant allele. Not counted in ClinVar's aggregate classification.

Literature cited by the submitters: PubMed 32295079 (cited by CZECANCA consortium).